The following is an entry in ClinVar:

ClinVar aggregate classification (germline): Likely benign (1 of 4 stars; one submission).

Submission:

CeGaT Center for Human Genetics Tuebingen
Classification: Likely benign. Last evaluated: 2025-06-01. Review status: criteria provided, single submitter. Criteria: CeGaT Center For Human Genetics Tuebingen Variant Classification Criteria Version 2. Collection method: clinical testing. Allele origin: germline. Affected: yes. Observed: 1 variant allele.
Comment: SLC6A3: BP4, BP7

NM_001044.5(SLC6A3):c.1194C>T (p.Ile398=)

Gene: SLC6A3 (solute carrier family 6 member 3). Cytogenetic location: 5p15.33.
Variant type: single nucleotide variant.
Coding change: c.1194C>T on transcript NM_001044.5 (MANE Select); coding-DNA position 1194, C replaced by T.
Protein change: p.Ile398=; no amino-acid change (isoleucine 398 retained).
Molecular consequence: synonymous variant.
Genome position (GRCh38, 1-based): chr5:1,411,318, G>A on the plus strand (C>T on the coding strand, the complement: SLC6A3 is on the minus strand). VCF-style: chr5-1411318-G-A. GRCh37 (hg19) VCF-style: chr5-1411433-G-A.
Identifiers: ClinVar variation 3905672 (VCV003905672.10).
Genomic context (GRCh38, chr5:1,411,318, plus strand): 5'-CAGGGTGAGCAGCATGATGAAGAAGACCACGGCCCAGGCTGAGGACAGAGGGAGCGTGGC[G>A]ATGGCTTCCGGGTAGATGATGAAGATCAGCCCTGGCCCTGAAACAGAACCCGCCCTGCTT-3'
Protein context (NP_001035.1, residues 388-408): GLIFIIYPEA[Ile398=]ATLPLSSAWA